The following is an entry in ClinVar:

NM_001371279.1(REEP1):c.200A>T (p.Glu67Val)

Gene: REEP1 (receptor accessory protein 1; minus strand). Cytogenetic location: 2p11.2.
Variant type: single nucleotide variant.
Coding change: c.200A>T on transcript NM_001371279.1 (MANE Select); coding-DNA position 200, A replaced by T.
Protein change: p.Glu67Val; replaces glutamic acid 67 with valine.
Molecular consequence: missense variant. On other transcripts: intron variant (1).
Genome position (GRCh38, 1-based): chr2:86,254,797, T>A on the plus strand (A>T on the coding strand, the complement: REEP1 is on the minus strand). VCF-style: chr2-86254797-T-A. GRCh37 (hg19) VCF-style: chr2-86481920-T-A.
Other names: c.221A>T, p.Glu74Val (NM_001164730.2); c.119A>T, p.Glu40Val (NM_001164731.2); c.200A>T, p.Glu67Val (NM_001371280.1, NM_022912.3); c.182+9168A>T (NM_001164732.2); short protein forms E67V, E74V, E40V.
Identifiers: ClinVar variation 534218 (VCV000534218.8), dbSNP rs1553461506, ClinGen allele CA347717601.

ClinVar aggregate classification (germline): Uncertain significance (1 of 4 stars; one submission).

Conditions:
Hereditary spastic paraplegia 31. Also called: SPASTIC PARAPLEGIA 31, AUTOSOMAL DOMINANT. Identifiers: Orphanet 101011, MedGen C1853247, MONDO:0012453, OMIM 610250.

Submission:

Labcorp Genetics (formerly Invitae), Labcorp
Classification: Uncertain significance for Hereditary spastic paraplegia 31. Last evaluated: 2018-05-25. Review status: criteria provided, single submitter. Criteria: Invitae Variant Classification Sherloc (09022015). Collection method: clinical testing. Allele origin: germline.
Comment: This variant has not been reported in the literature in individuals with REEP1-related disease. In summary, the available evidence is currently insufficient to determine the role of this variant in disease. Therefore, it has been classified as a Variant of Uncertain Significance. Algorithms developed to predict the effect of missense changes on protein structure and function do not agree on the potential impact of this missense change (SIFT: "Deleterious"; PolyPhen-2: "Probably Damaging"; Align-GVGD: "Class C0"). This variant is not present in population databases (ExAC no frequency). This sequence change replaces glutamic acid with valine at codon 67 of the REEP1 protein (p.Glu67Val). The glutamic acid residue is highly conserved and there is a moderate physicochemical difference between glutamic acid and valine.